The following is an entry in ClinVar:

ClinVar aggregate classification (germline): Uncertain significance. Review status: criteria provided, multiple submitters, no conflicts (2 of 4 stars). 2 submissions from 2 submitters: Uncertain significance (2). Last evaluated 2018-11-18.

Conditions:
Hereditary cancer-predisposing syndrome. Also called: Neoplastic Syndromes, Hereditary; Tumor predisposition; Hereditary neoplastic syndrome; Hereditary Cancer Syndrome. Identifiers: Orphanet 140162, MedGen C0027672, MeSH D009386, MONDO:0015356.
Familial cancer of breast. Also called: BREAST CANCER, FAMILIAL; hereditary breast carcinoma; Hereditary breast cancer. Identifiers: Orphanet 227535, MedGen C0346153, MONDO:0016419, OMIM 114480. Disease mechanism: loss of function.

Submissions (2):

Labcorp Genetics (formerly Invitae), Labcorp
Classification: Uncertain significance for Familial cancer of breast. Last evaluated: 2018-11-18. Review status: criteria provided, single submitter. Criteria: Invitae Variant Classification Sherloc (09022015). Collection method: clinical testing. Allele origin: germline.
Comment: This variant is not present in population databases (ExAC no frequency). This sequence change replaces arginine with lysine at codon 155 of the BARD1 protein (p.Arg155Lys). The arginine residue is highly conserved and there is a small physicochemical difference between arginine and lysine. This variant has not been reported in the literature in individuals with BARD1-related disease. In summary, the available evidence is currently insufficient to determine the role of this variant in disease. Therefore, it has been classified as a Variant of Uncertain Significance. Algorithms developed to predict the effect of missense changes on protein structure and function (SIFT, PolyPhen-2, Align-GVGD) all suggest that this variant is likely to be disruptive, but these predictions have not been confirmed by published functional studies and their clinical significance is uncertain.

Ambry Genetics
Classification: Uncertain significance for Hereditary cancer-predisposing syndrome. Last evaluated: 2018-01-24. Review status: criteria provided, single submitter. Criteria: Ambry Variant Classification Scheme 2023. Collection method: clinical testing. Allele origin: germline.
Comment: The p.R155K variant (also known as c.464G>A), located in coding exon 4 of the BARD1 gene, results from a G to A substitution at nucleotide position 464. The arginine at codon 155 is replaced by lysine, an amino acid with highly similar properties. This amino acid position is highly conserved in available vertebrate species. In addition, the in silico prediction for this alteration is inconclusive. Since supporting evidence is limited at this time, the clinical significance of this alteration remains unclear.

NM_000465.4(BARD1):c.464G>A (p.Arg155Lys)

Gene: BARD1 (BRCA1 associated RING domain 1; minus strand). Cytogenetic location: 2q35.
Variant type: single nucleotide variant.
Coding change: c.464G>A on transcript NM_000465.4 (MANE Select); coding-DNA position 464, G replaced by A.
Protein change: p.Arg155Lys; replaces arginine 155 with lysine.
Molecular consequence: missense variant. On other transcripts: non-coding transcript variant (2), intron variant (3).
Genome position (GRCh38, 1-based): chr2:214,781,410, C>T on the plus strand (G>A on the coding strand, the complement: BARD1 is on the minus strand). VCF-style: chr2-214781410-C-T. GRCh37 (hg19) VCF-style: chr2-215646134-C-T.
Other names: c.407G>A, p.Arg136Lys (NM_001282543.2); c.158+28002G>A (NM_001282548.2); c.215+15651G>A (NM_001282545.2); c.364+10887G>A (NM_001282549.2); short protein forms R136K, R155K.
Identifiers: ClinVar variation 660747 (VCV000660747.14), dbSNP rs1574821370, ClinGen allele CA350457636.